The following is an entry in ClinVar:

NM_001035.3(RYR2):c.2576A>G (p.Gln859Arg)

Gene: RYR2 (ryanodine receptor 2; plus strand). Cytogenetic location: 1q43.
Variant type: single nucleotide variant.
Coding change: c.2576A>G on transcript NM_001035.3 (MANE Select); coding-DNA position 2576, A replaced by G.
Protein change: p.Gln859Arg; replaces glutamine 859 with arginine.
Molecular consequence: missense variant.
Genome position (GRCh38, 1-based): chr1:237,503,468, A>G. VCF-style: chr1-237503468-A-G. GRCh37 (hg19) VCF-style: chr1-237666768-A-G.
Other names: short protein forms Q859R.
Identifiers: ClinVar variation 5018106 (VCV005018106.1).

ClinVar aggregate classification (germline): Uncertain significance (1 of 4 stars; one submission).

gnomAD v4.1: 1 of 1,613,936 alleles (0.000062%); highest among the groups gnomAD compares: Middle Eastern, 0.016%; no homozygotes.

Submission:

GeneDx
Classification: Uncertain significance. Last evaluated: 2026-04-01. Review status: criteria provided, single submitter. Criteria: GeneDx Variant Classification Process June 2021. Collection method: clinical testing. Allele origin: germline.
Comment: Not observed at significant frequency in large population cohorts (gnomAD); In silico analysis suggests that this missense variant does not alter protein structure/function; Not located in one of the three hot-spot regions of the RYR2 gene, where the majority of pathogenic missense variants occur (PMID: 19926015); Has not been previously published as pathogenic or benign to our knowledge; This variant is associated with the following publications: (PMID: 19926015)